The following is an entry in ClinVar:

ClinVar aggregate classification (germline): Likely benign (1 of 4 stars; one submission).

Conditions:
CHD5-related disorder. Also called: CHD5-related condition.

gnomAD v4.1: 20 of 1,609,174 alleles (0.0012%); highest among the groups gnomAD compares: Non-Finnish European, 0.0015%; no homozygotes.

Submission:

PreventionGenetics, part of Exact Sciences
Classification: Likely benign for CHD5-related condition. Last evaluated: 2026-06-16. Review status: criteria provided, single submitter. Criteria: ACMG Guidelines, 2015. Collection method: clinical testing. Allele origin: germline.
Comment: This variant is classified as likely benign based on ACMG/AMP sequence variant interpretation guidelines (Richards et al. 2015 PMID: 25741868, with internal and published modifications).

NM_015557.3(CHD5):c.942A>G (p.Glu314=)

Gene: CHD5 (chromodomain helicase DNA binding protein 5; minus strand). Cytogenetic location: 1p36.31.
Variant type: single nucleotide variant.
Coding change: c.942A>G on transcript NM_015557.3 (MANE Select); coding-DNA position 942, A replaced by G.
Protein change: p.Glu314=; no amino-acid change (glutamic acid 314 retained).
Molecular consequence: synonymous variant.
Genome position (GRCh38, 1-based): chr1:6,151,084, T>C on the plus strand (A>G on the coding strand, the complement: CHD5 is on the minus strand). VCF-style: chr1-6151084-T-C. GRCh37 (hg19) VCF-style: chr1-6211144-T-C.
Identifiers: ClinVar variation 4977646 (VCV004977646.1).